The following is an entry in ClinVar:

NM_001304438.2(TMEM132E):c.1359G>A (p.Thr453=)

Gene: TMEM132E (transmembrane protein 132E; plus strand). Cytogenetic location: 17q12.
Variant type: single nucleotide variant.
Coding change: c.1359G>A on transcript NM_001304438.2 (MANE Select); coding-DNA position 1359, G replaced by A.
Protein change: p.Thr453=; no amino-acid change (threonine 453 retained).
Molecular consequence: synonymous variant.
Genome position (GRCh38, 1-based): chr17:34,630,028, G>A. VCF-style: chr17-34630028-G-A. GRCh37 (hg19) VCF-style: chr17-32957047-G-A.
Other names: c.1359G>A (NM_001304438.1).
Identifiers: ClinVar variation 1671896 (VCV001671896.9), dbSNP rs189572250, ClinGen allele CA8496680.

ClinVar aggregate classification (germline): Likely benign. Review status: criteria provided, single submitter (1 of 4 stars). 2 submissions from 2 submitters: Likely benign (1). 1 of the submissions does not count toward it. Last evaluated 2025-10-01.

Conditions:
TMEM132E-related disorder. Also called: TMEM132E-related condition.

Allele frequency attached by ClinVar (database versions not stated): gnomAD 0.00003; TOPMed 0.00004; ExAC 0.00005; gnomAD exomes 0.00006; 1000 Genomes Project 30x 0.00016; 1000 Genomes Project 0.00020.
gnomAD v4.1: 44 of 1,611,444 alleles (0.0027%); highest among the groups gnomAD compares: Admixed American, 0.023%; no homozygotes.

Submissions (2):

Labcorp Genetics (formerly Invitae), Labcorp
Classification: Likely benign. Last evaluated: 2025-10-01. Review status: criteria provided, single submitter. Criteria: Invitae Variant Classification Sherloc (09022015). Collection method: clinical testing. Allele origin: germline.

PreventionGenetics, part of Exact Sciences
Classification: Likely benign for TMEM132E-related condition. Last evaluated: 2019-07-11. Review status: no assertion criteria provided. Collection method: clinical testing. Allele origin: germline. Not counted in ClinVar's aggregate classification.
Comment: This variant is classified as likely benign based on ACMG/AMP sequence variant interpretation guidelines (Richards et al. 2015 PMID: 25741868, with internal and published modifications).